The following is an entry in ClinVar:

ClinVar aggregate classification (germline): Likely benign. Review status: criteria provided, multiple submitters, no conflicts (2 of 4 stars). 5 submissions from 5 submitters: Likely benign (5). Last evaluated 2026-01-25.

Conditions:
Isolated focal cortical dysplasia type II (FCORD2). Also called: CORTICAL DYSPLASIA OF TAYLOR; Focal cortical dysplasia type II. Identifiers: Orphanet 268994, MedGen C1846385, MONDO:0011818, OMIM 607341, HP:0032051.
Lymphangiomyomatosis (LAM). Also called: Lymphangioleiomyomatosis, somatic; Lymphangioleiomyomatosis. Identifiers: Orphanet 538, MedGen C0751674, MONDO:0011705, OMIM 606690.
Tuberous sclerosis 2 (TSC2). Identifiers: Orphanet 805, MedGen C1860707, MONDO:0013199, OMIM 613254.
Hereditary cancer-predisposing syndrome. Also called: Hereditary neoplastic syndrome; Tumor predisposition; Neoplastic Syndromes, Hereditary; Hereditary Cancer Syndrome. Identifiers: Orphanet 140162, MedGen C0027672, MeSH D009386, MONDO:0015356.

Allele frequency attached by ClinVar (database versions not stated): TOPMed 0.00001; ExAC 0.00002; gnomAD 0.00003; gnomAD exomes 0.00003.

Submissions (5):

Labcorp Genetics (formerly Invitae), Labcorp
Classification: Likely benign for Tuberous sclerosis 2. Last evaluated: 2026-01-25. Review status: criteria provided, single submitter. Criteria: Invitae Variant Classification Sherloc (09022015). Collection method: clinical testing. Allele origin: germline.

Women's Health and Genetics/Laboratory Corporation of America, LabCorp
Classification: Likely benign. Last evaluated: 2025-10-10. Review status: criteria provided, single submitter. Criteria: LabCorp Variant Classification Summary - May 2015. Collection method: clinical testing. Allele origin: germline.

Fulgent Genetics
Classification: Likely benign for Lymphangiomyomatosis; Isolated focal cortical dysplasia type II; Tuberous sclerosis 2. Last evaluated: 2022-05-05. Review status: criteria provided, single submitter. Criteria: ACMG Guidelines, 2015. Collection method: clinical testing. Allele origin: unknown.

Sema4
Classification: Likely benign for Hereditary cancer-predisposing syndrome. Last evaluated: 2020-12-24. Review status: criteria provided, single submitter. Criteria: Sema4 Curation Guidelines. Collection method: curation. Allele origin: germline.

GeneDx
Classification: Likely benign. Last evaluated: 2015-10-07. Review status: criteria provided, single submitter. Criteria: GeneDx Variant Classification (06012015). Collection method: clinical testing. Allele origin: germline. Affected: yes.
Comment: This variant is considered likely benign or benign based on one or more of the following criteria: it is a conservative change, it occurs at a poorly conserved position in the protein, it is predicted to be benign by multiple in silico algorithms, and/or has population frequency not consistent with disease.

NM_000548.5(TSC2):c.2837+12G>A

Gene: TSC2 (TSC complex subunit 2; plus strand). Cytogenetic location: 16p13.3.
Variant type: single nucleotide variant.
Coding change: c.2837+12G>A on transcript NM_000548.5 (MANE Select); 12 bases into the intron after coding-DNA position 2837, G replaced by A.
Molecular consequence: intron variant.
Genome position (GRCh38, 1-based): chr16:2,076,597, G>A. VCF-style: chr16-2076597-G-A. GRCh37 (hg19) VCF-style: chr16-2126598-G-A.
Other names: c.2837+12G>A (NM_001114382.3, NM_021055.3, NM_001370405.1 and 3 more transcripts); c.2726+12G>A (NM_001318827.2); c.2237+12G>A (NM_001318831.2); c.2690+12G>A (NM_001318829.2); c.2870+12G>A (NM_001318832.2).
Identifiers: ClinVar variation 380978 (VCV000380978.12), dbSNP rs755041349, ClinGen allele CA042117.
Genomic context (GRCh38, chr16:2,076,597, plus strand): 5'-AGGACAGCTTCAGGGCCCGGAGTACTAGTCTCAACGAGAGACCCAAGAGGTACGGCCTGC[G>A]GGGGTGTGCCTGGAGTCGGTGTGGGGTGGGGAAGGACATGGGGCTGTGGCCTGCCTGACG-3'